The following is an entry in ClinVar:

ClinVar aggregate classification (germline): Conflicting classifications of pathogenicity. Review status: criteria provided, conflicting classifications (1 of 4 stars). 3 submissions from 3 submitters: Uncertain significance (1); Likely benign (1). 1 of the submissions does not count toward it. Last evaluated 2026-07-01.

Conditions:
NTRK2-related disorder. Also called: NTRK2-related condition.

Allele frequency attached by ClinVar (database versions not stated): ExAC 0.00001; gnomAD 0.00001; TOPMed 0.00002; gnomAD exomes 0.00004.
gnomAD v4.1: 59 of 1,613,676 alleles (0.0037%); highest among the groups gnomAD compares: South Asian, 0.021%; 2 homozygotes.

Submissions (3):

CeGaT Center for Human Genetics Tuebingen
Classification: Likely benign. Last evaluated: 2026-07-01. Review status: criteria provided, single submitter. Criteria: CeGaT Center For Human Genetics Tuebingen Variant Classification Criteria Version 2. Collection method: clinical testing. Allele origin: germline. Affected: yes. Observed: 1 variant allele.
Comment: NTRK2: BP4

Labcorp Genetics (formerly Invitae), Labcorp
Classification: Uncertain significance. Last evaluated: 2025-04-27. Review status: criteria provided, single submitter. Criteria: Invitae Variant Classification Sherloc (09022015). Collection method: clinical testing. Allele origin: germline.
Comment: This sequence change replaces aspartic acid, which is acidic and polar, with asparagine, which is neutral and polar, at codon 386 of the NTRK2 protein (p.Asp386Asn). This variant is present in population databases (rs200996090, gnomAD 0.006%). This variant has not been reported in the literature in individuals affected with NTRK2-related conditions. ClinVar contains an entry for this variant (Variation ID: 2962916). Invitae Evidence Modeling of protein sequence and biophysical properties (such as structural, functional, and spatial information, amino acid conservation, physicochemical variation, residue mobility, and thermodynamic stability) indicates that this missense variant is not expected to disrupt NTRK2 protein function with a negative predictive value of 80%. In summary, the available evidence is currently insufficient to determine the role of this variant in disease. Therefore, it has been classified as a Variant of Uncertain Significance.

PreventionGenetics, part of Exact Sciences
Classification: Uncertain significance for NTRK2-related condition. Last evaluated: 2024-05-31. Review status: no assertion criteria provided. Collection method: clinical testing. Allele origin: germline. Not counted in ClinVar's aggregate classification.
Comment: The NTRK2 c.1156G>A variant is predicted to result in the amino acid substitution p.Asp386Asn. To our knowledge, this variant has not been reported in the literature in individuals with NTRK2 related disorders. This variant is reported in 0.0065% of alleles in individuals of South Asian descent in gnomAD. At this time, the clinical significance of this variant is uncertain due to the absence of conclusive functional and genetic evidence.

NM_006180.6(NTRK2):c.1156G>A (p.Asp386Asn)

Gene: NTRK2 (neurotrophic receptor tyrosine kinase 2; plus strand). Cytogenetic location: 9q21.33.
Variant type: single nucleotide variant.
Coding change: c.1156G>A on transcript NM_006180.6 (MANE Select); coding-DNA position 1156, G replaced by A.
Protein change: p.Asp386Asn; replaces aspartic acid 386 with asparagine.
Molecular consequence: missense variant.
Genome position (GRCh38, 1-based): chr9:84,727,956, G>A. VCF-style: chr9-84727956-G-A. GRCh37 (hg19) VCF-style: chr9-87342871-G-A.
Other names: c.1156G>A, p.Asp386Asn (NM_001007097.3, NM_001018064.3, NM_001018065.2 and 17 more transcripts); c.1117G>A, p.Asp373Asn (NM_001291937.2, NM_001369546.1); c.688G>A, p.Asp230Asn (NM_001369550.1, NM_001369551.1, NM_001369552.1 and 2 more transcripts); c.1156G>A (NM_006180.4); short protein forms D230N, D373N, D386N.
Identifiers: ClinVar variation 2962916 (VCV002962916.5), dbSNP rs200996090, ClinGen allele CA5105629.